The following is an entry in ClinVar:

NM_000642.3(AGL):c.700T>C (p.Cys234Arg)

Gene: AGL (amylo-alpha-1,6-glucosidase and 4-alpha-glucanotransferase; plus strand). Cytogenetic location: 1p21.2.
Variant type: single nucleotide variant.
Coding change: c.700T>C on transcript NM_000642.3 (MANE Select); coding-DNA position 700, T replaced by C.
Protein change: p.Cys234Arg; replaces cysteine 234 with arginine.
Molecular consequence: missense variant.
Genome position (GRCh38, 1-based): chr1:99,870,435, T>C. VCF-style: chr1-99870435-T-C. GRCh37 (hg19) VCF-style: chr1-100335991-T-C.
Other names: c.700T>C, p.Cys234Arg (NM_000028.3, NM_000643.3, NM_000644.3 and 3 more transcripts); c.652T>C, p.Cys218Arg (NM_000646.3); c.496T>C, p.Cys166Arg (NM_001425328.1, NM_001425329.1); c.322T>C, p.Cys108Arg (NM_001425332.1); short protein forms C234R, C108R, C166R, C218R.
Identifiers: ClinVar variation 5003204 (VCV005003204.1).

ClinVar aggregate classification (germline): Uncertain significance (1 of 4 stars; one submission).

Conditions:
Glycogen storage disease type III (GSD3). Also called: Cori disease; FORBES DISEASE. Identifiers: Orphanet 366, MedGen C0017922, MONDO:0009291, OMIM 232400.

Submission:

Myriad Genetics, Inc.
Classification: Uncertain significance for Glycogen storage disease type III. Last evaluated: 2025-10-01. Review status: criteria provided, single submitter. Criteria: Myriad Autosomal Dominant, Autosomal Recessive and X-Linked Classification Criteria (2023). Collection method: clinical testing. Allele origin: unknown.
Comment: NM_000642.2(AGL):c.700T>C(C234R) is a missense variant classified as a variant of uncertain significance in the context of glycogen storage disease type III. C234R has been observed in a case with relevant disease (PMID: 12442284). Relevant functional assessments of this variant are not available in the literature. C234R has not been observed in referenced population frequency databases. In summary, there is insufficient evidence to classify NM_000642.2(AGL):c.700T>C(C234R) as pathogenic or benign. Please note: this variant was assessed in the context of healthy population screening.

Literature cited by the submitters: PubMed 12442284.